The following is an entry in ClinVar:

ClinVar aggregate classification (germline): Uncertain significance (1 of 4 stars; one submission).

Submission:

Laboratory for Molecular Medicine, Mass General Brigham Personalized Medicine
Classification: Uncertain significance. Last evaluated: 2016-08-23. Review status: criteria provided, single submitter. Criteria: LMM Criteria. Collection method: clinical testing. Allele origin: germline. Observed: 1 variant allele.
Comment: The p.Glu142Lys variant in TPM1 has not been previously reported in individuals with cardiomyopathy or in large population studies. Computational prediction too ls and conservation analysis do not provide strong support for or against an imp act to the protein. In summary, the clinical significance of the p.Glu142Lys var iant is uncertain.

NM_001018005.2(TPM1):c.424G>A (p.Glu142Lys)

Gene: TPM1 (tropomyosin 1; plus strand). Cytogenetic location: 15q22.2.
Variant type: single nucleotide variant.
Coding change: c.424G>A on transcript NM_001018005.2 (MANE Select); coding-DNA position 424, G replaced by A.
Protein change: p.Glu142Lys; replaces glutamic acid 142 with lysine.
Molecular consequence: missense variant.
Genome position (GRCh38, 1-based): chr15:63,059,612, G>A. VCF-style: chr15-63059612-G-A. GRCh37 (hg19) VCF-style: chr15-63351811-G-A.
Other names: c.424G>A, p.Glu142Lys (NM_000366.6, NM_001018004.2, NM_001018006.2 and 6 more transcripts); c.316G>A, p.Glu106Lys (NM_001018008.2, NM_001301289.2, NM_001330344.2 and 5 more transcripts); c.550G>A, p.Glu184Lys (NM_001365778.1); short protein forms E142K, E106K, E184K.
Identifiers: ClinVar variation 505316 (VCV000505316.5), dbSNP rs1555408649, ClinGen allele CA392722165.